The following is an entry in ClinVar:

NM_177438.3(DICER1):c.1951C>T (p.Pro651Ser)

Gene: DICER1 (dicer 1, ribonuclease III; minus strand). Cytogenetic location: 14q32.13.
Variant type: single nucleotide variant.
Coding change: c.1951C>T on transcript NM_177438.3 (MANE Select); coding-DNA position 1951, C replaced by T.
Protein change: p.Pro651Ser; replaces proline 651 with serine.
Molecular consequence: missense variant. On other transcripts: non-coding transcript variant (6).
Genome position (GRCh38, 1-based): chr14:95,113,181, G>A on the plus strand (C>T on the coding strand, the complement: DICER1 is on the minus strand). VCF-style: chr14-95113181-G-A. GRCh37 (hg19) VCF-style: chr14-95579518-G-A.
Other names: c.1951C>T, p.Pro651Ser (NM_001195573.1, NM_001271282.3, NM_001291628.2 and 13 more transcripts); c.1669C>T, p.Pro557Ser (NM_001395686.1); c.1546C>T, p.Pro516Ser (NM_001395687.1, NM_001395688.1, NM_001395689.1 and 3 more transcripts); c.1384C>T, p.Pro462Ser (NM_001395691.1); c.268C>T, p.Pro90Ser (NM_001395697.1); short protein forms P557S, P651S, P90S, P462S, P516S.
Identifiers: ClinVar variation 2586407 (VCV002586407.4), dbSNP rs1315942457, ClinGen allele CA390883410.

ClinVar aggregate classification (germline): Uncertain significance. Review status: criteria provided, multiple submitters, no conflicts (2 of 4 stars). 2 submissions from 2 submitters: Uncertain significance (2). Last evaluated 2024-06-11.

Conditions:
DICER1-related tumor predisposition. Also called: DICER1-related pleuropulmonary blastoma cancer predisposition syndrome; DICER1 syndrome. Identifiers: Orphanet 284343, MedGen C3839822, MONDO:0100216.
Hereditary cancer-predisposing syndrome. Also called: Tumor predisposition; Neoplastic Syndromes, Hereditary; Hereditary Cancer Syndrome; Hereditary neoplastic syndrome. Identifiers: Orphanet 140162, MedGen C0027672, MeSH D009386, MONDO:0015356.

gnomAD v4.1: 2 of 1,613,632 alleles (0.00012%); highest among the groups gnomAD compares: Non-Finnish European, 0.000085%; no homozygotes.

Submissions (2):

Labcorp Genetics (formerly Invitae), Labcorp
Classification: Uncertain significance for DICER1-related tumor predisposition. Last evaluated: 2024-06-11. Review status: criteria provided, single submitter. Criteria: Invitae Variant Classification Sherloc (09022015). Collection method: clinical testing. Allele origin: germline.
Comment: This sequence change replaces proline, which is neutral and non-polar, with serine, which is neutral and polar, at codon 651 of the DICER1 protein (p.Pro651Ser). This variant is present in population databases (no rsID available, gnomAD 0.004%). This variant has not been reported in the literature in individuals affected with DICER1-related conditions. ClinVar contains an entry for this variant (Variation ID: 2586407). Advanced modeling of protein sequence and biophysical properties (such as structural, functional, and spatial information, amino acid conservation, physicochemical variation, residue mobility, and thermodynamic stability) performed at Invitae indicates that this missense variant is expected to disrupt DICER1 protein function with a positive predictive value of 80%. In summary, the available evidence is currently insufficient to determine the role of this variant in disease. Therefore, it has been classified as a Variant of Uncertain Significance.

Ambry Genetics
Classification: Uncertain significance for Hereditary cancer-predisposing syndrome. Last evaluated: 2023-07-16. Review status: criteria provided, single submitter. Criteria: Ambry Variant Classification Scheme 2023. Collection method: clinical testing. Allele origin: germline.
Comment: The p.P651S variant (also known as c.1951C>T), located in coding exon 11 of the DICER1 gene, results from a C to T substitution at nucleotide position 1951. The proline at codon 651 is replaced by serine, an amino acid with similar properties. This amino acid position is conserved. In addition, this alteration is predicted to be deleterious by in silico analysis. Since supporting evidence is limited at this time, the clinical significance of this alteration remains unclear.